The following is an entry in ClinVar:

NM_001379291.1(BRD4):c.688C>T (p.Pro230Ser)

Gene: BRD4 (bromodomain containing 4; minus strand). Cytogenetic location: 19p13.12.
Variant type: single nucleotide variant.
Coding change: c.688C>T on transcript NM_001379291.1 (MANE Select); coding-DNA position 688, C replaced by T.
Protein change: p.Pro230Ser; replaces proline 230 with serine.
Molecular consequence: missense variant.
Genome position (GRCh38, 1-based): chr19:15,265,515, G>A on the plus strand (C>T on the coding strand, the complement: BRD4 is on the minus strand). VCF-style: chr19-15265515-G-A. GRCh37 (hg19) VCF-style: chr19-15376326-G-A.
Other names: c.688C>T, p.Pro230Ser (NM_001330384.2, NM_001379292.1, NM_014299.3 and 1 more transcripts); short protein forms P230S.
Identifiers: ClinVar variation 2783923 (VCV002783923.3), dbSNP rs1221320388, ClinGen allele CA404485146.

ClinVar aggregate classification (germline): Uncertain significance (1 of 4 stars; one submission).

Allele frequency attached by ClinVar (database versions not stated): gnomAD exomes below 0.00001; TOPMed below 0.00001.

Submission:

Labcorp Genetics (formerly Invitae), Labcorp
Classification: Uncertain significance. Last evaluated: 2025-10-02. Review status: criteria provided, single submitter. Criteria: Invitae Variant Classification Sherloc (09022015). Collection method: clinical testing. Allele origin: germline.
Comment: This sequence change replaces proline, which is neutral and non-polar, with serine, which is neutral and polar, at codon 230 of the BRD4 protein (p.Pro230Ser). This variant is present in population databases (no rsID available, gnomAD 0.0009%). This variant has not been reported in the literature in individuals affected with BRD4-related conditions. ClinVar contains an entry for this variant (Variation ID: 2783923). Invitae Evidence Modeling of protein sequence and biophysical properties (such as structural, functional, and spatial information, amino acid conservation, physicochemical variation, residue mobility, and thermodynamic stability) indicates that this missense variant is not expected to disrupt BRD4 protein function with a negative predictive value of 80%. In summary, the available evidence is currently insufficient to determine the role of this variant in disease. Therefore, it has been classified as a Variant of Uncertain Significance.